The following is an entry in ClinVar:

NM_002227.4(JAK1):c.3344C>T (p.Pro1115Leu)

Gene: JAK1 (Janus kinase 1; minus strand). Cytogenetic location: 1p31.3.
Variant type: single nucleotide variant.
Coding change: c.3344C>T on transcript NM_002227.4 (MANE Select); coding-DNA position 3344, C replaced by T.
Protein change: p.Pro1115Leu; replaces proline 1115 with leucine.
Molecular consequence: missense variant.
Genome position (GRCh38, 1-based): chr1:64,835,421, G>A on the plus strand (C>T on the coding strand, the complement: JAK1 is on the minus strand). VCF-style: chr1-64835421-G-A. GRCh37 (hg19) VCF-style: chr1-65301104-G-A.
Other names: c.3344C>T (NM_002227.2); c.3344C>T, p.Pro1115Leu (NM_001320923.2, NM_001321852.2, NM_001321853.2 and 3 more transcripts); c.3341C>T, p.Pro1114Leu (NM_001321857.2); short protein forms P1114L, P1115L.
Identifiers: ClinVar variation 1401426 (VCV001401426.7), dbSNP rs543134894, ClinGen allele CA892472.

ClinVar aggregate classification (germline): Uncertain significance. Review status: criteria provided, multiple submitters, no conflicts (2 of 4 stars). 2 submissions from 2 submitters: Uncertain significance (2). Last evaluated 2025-10-22.

Conditions:
Inborn genetic diseases. Identifiers: MedGen C0950123, MeSH D030342.

Allele frequency attached by ClinVar (database versions not stated): ExAC 0.00003; gnomAD exomes 0.00003 and 0.00009; gnomAD 0.00005; 1000 Genomes Project 30x 0.00016; 1000 Genomes Project 0.00020.
gnomAD v4.1: 50 of 1,606,330 alleles (0.0031%); highest among the groups gnomAD compares: Admixed American, 0.045%; no homozygotes.

Submissions (2):

Labcorp Genetics (formerly Invitae), Labcorp
Classification: Uncertain significance. Last evaluated: 2025-10-22. Review status: criteria provided, single submitter. Criteria: Invitae Variant Classification Sherloc (09022015). Collection method: clinical testing. Allele origin: germline.
Comment: This sequence change replaces proline, which is neutral and non-polar, with leucine, which is neutral and non-polar, at codon 1115 of the JAK1 protein (p.Pro1115Leu). This variant is present in population databases (rs543134894, gnomAD 0.06%), and has an allele count higher than expected for a pathogenic variant. This variant has not been reported in the literature in individuals affected with JAK1-related conditions. ClinVar contains an entry for this variant (Variation ID: 1401426). Invitae Evidence Modeling of protein sequence and biophysical properties (such as structural, functional, and spatial information, amino acid conservation, physicochemical variation, residue mobility, and thermodynamic stability) indicates that this missense variant is not expected to disrupt JAK1 protein function with a negative predictive value of 80%. In summary, the available evidence is currently insufficient to determine the role of this variant in disease. Therefore, it has been classified as a Variant of Uncertain Significance.

Ambry Genetics
Classification: Uncertain significance for Inborn genetic diseases. Last evaluated: 2021-07-20. Review status: criteria provided, single submitter. Criteria: Ambry Variant Classification Scheme 2023. Collection method: clinical testing. Allele origin: germline.